The following is an entry in ClinVar:

NM_002439.5(MSH3):c.961A>G (p.Asn321Asp)

Genes: MSH3 (mutS homolog 3; plus strand), LOC126807437 (MED14-independent group 3 enhancer GRCh37_chr5:79968379-79969578; plus strand). Cytogenetic location: 5q14.1.
Variant type: single nucleotide variant.
Coding change: c.961A>G on transcript NM_002439.5 (MANE Select); coding-DNA position 961, A replaced by G.
Protein change: p.Asn321Asp; replaces asparagine 321 with aspartic acid.
Molecular consequence: missense variant.
Genome position (GRCh38, 1-based): chr5:80,672,792, A>G. VCF-style: chr5-80672792-A-G. GRCh37 (hg19) VCF-style: chr5-79968611-A-G.
Other names: short protein forms N321D.
Identifiers: ClinVar variation 4654939 (VCV004654939.1).

ClinVar aggregate classification (germline): Uncertain significance (1 of 4 stars; one submission).

Conditions:
Hereditary cancer-predisposing syndrome. Also called: Neoplastic Syndromes, Hereditary; Tumor predisposition; Hereditary Cancer Syndrome; Hereditary neoplastic syndrome. Identifiers: Orphanet 140162, MedGen C0027672, MeSH D009386, MONDO:0015356.

gnomAD v4.1: 1 of 1,614,186 alleles (0.000062%); highest among the groups gnomAD compares: Middle Eastern, 0.016%; no homozygotes.

Submission:

Ambry Genetics
Classification: Uncertain significance for Hereditary cancer-predisposing syndrome. Last evaluated: 2025-11-26. Review status: criteria provided, single submitter. Criteria: Ambry Variant Classification Scheme 2023. Collection method: clinical testing. Allele origin: germline.
Comment: The p.N321D variant (also known as c.961A>G), located in coding exon 6 of the MSH3 gene, results from an A to G substitution at nucleotide position 961. The asparagine at codon 321 is replaced by aspartic acid, an amino acid with highly similar properties. This amino acid position is conserved. In addition, this alteration is predicted to be tolerated by in silico analysis. Based on the available evidence, the clinical significance of this variant remains unclear.